The following is an entry in ClinVar:

ClinVar aggregate classification (germline): Pathogenic (1 of 4 stars; one submission).

Submission:

GeneDx
Classification: Pathogenic. Last evaluated: 2018-12-06. Review status: criteria provided, single submitter. Criteria: GeneDx Variant Classification (06012015). Collection method: clinical testing. Allele origin: germline. Affected: yes.
Comment: The L1097X variant in the NSD1 gene has been reported previously in an individual with Sotos syndrome (Saugier-Veber et al., 2007). This variant is predicted to cause loss of normal protein function either through protein truncation or nonsense-mediated mRNA decay. The L1097X variant is not observed in large population cohorts (Lek et al., 2016). We interpret L1097X as a pathogenic variant.

NM_022455.5(NSD1):c.3290T>A (p.Leu1097Ter)

Gene: NSD1 (nuclear receptor binding SET domain protein 1; plus strand). Cytogenetic location: 5q35.3.
Variant type: single nucleotide variant.
Coding change: c.3290T>A on transcript NM_022455.5 (MANE Select); coding-DNA position 3290, T replaced by A.
Protein change: p.Leu1097Ter; replaces leucine 1097 with a stop codon.
Molecular consequence: nonsense.
Genome position (GRCh38, 1-based): chr5:177,211,689, T>A. VCF-style: chr5-177211689-T-A. GRCh37 (hg19) VCF-style: chr5-176638690-T-A.
Other names: c.2417T>A, p.Leu806Ter (NM_001365684.2, NM_001409306.1, NM_001409307.1 and 3 more transcripts); c.3290T>A, p.Leu1097Ter (NM_001409301.1, NM_001409302.1, NM_001409303.1); c.2870T>A, p.Leu957Ter (NM_001409304.1); c.2537T>A, p.Leu846Ter (NM_001409305.1); short protein forms L1097*, L828*, L806*, L957*, L846*.
Identifiers: ClinVar variation 620138 (VCV000620138.1), dbSNP rs1562212484, ClinGen allele CA362323449.